The following is an entry in ClinVar:

ClinVar aggregate classification (germline): Conflicting classifications of pathogenicity. Review status: criteria provided, conflicting classifications (1 of 4 stars). 6 submissions from 6 submitters: Uncertain significance (4); Likely benign (1). 1 of the submissions does not count toward it. Last evaluated 2025-09-15.

Conditions:
Hereditary cancer-predisposing syndrome. Also called: Tumor predisposition; Neoplastic Syndromes, Hereditary; Hereditary Cancer Syndrome; Hereditary neoplastic syndrome. Identifiers: Orphanet 140162, MedGen C0027672, MeSH D009386, MONDO:0015356.
Microcephaly, normal intelligence and immunodeficiency (NBS). Also called: BERLIN BREAKAGE SYNDROME; Ataxia telangiectasia variant V1; IMMUNODEFICIENCY, MICROCEPHALY, AND CHROMOSOMAL INSTABILITY; SEEMANOVA SYNDROME II; Immunodeficiency, microcephaly with normal intelligence; Nijmegen breakage syndrome. Identifiers: Orphanet 647, MedGen C0398791, MONDO:0009623, OMIM 251260.

Allele frequency attached by ClinVar (database versions not stated): ExAC 0.00001; gnomAD exomes 0.00001; TOPMed 0.00002.
gnomAD v4.1: 4 of 1,613,876 alleles (0.00025%); highest among the groups gnomAD compares: East Asian, 0.0067%; no homozygotes.

Submissions (6):

Quest Diagnostics Nichols Institute San Juan Capistrano
Classification: Uncertain significance. Last evaluated: 2025-09-15. Review status: criteria provided, single submitter. Criteria: Quest Diagnostics criteria. Collection method: clinical testing. Allele origin: unknown.
Comment: The NBN c.1657A>G (p.Met553Val) variant has been reported in the published literature in an individual with Extrahepatic Cholangiocarcinoma (PMID: 36072793 (2022)). Additionally, in a large scale breast cancer association study, this variant was described in a breast cancer case as well as in reportedly unaffected individuals (PMID: 33471991 (2021), see also LOVD).The frequency of this variant in the general population (Genome Aggregation Database) is uninformative in the assessment of its pathogenicity. Analysis of this variant using bioinformatics tools for the prediction of the effect of amino acid changes on protein structure and function yielded predictions that this variant is benign. Based on the available information, we are unable to determine the clinical significance of this variant.

Labcorp Genetics (formerly Invitae), Labcorp
Classification: Uncertain significance for Microcephaly, normal intelligence and immunodeficiency. Last evaluated: 2024-05-22. Review status: criteria provided, single submitter. Criteria: Invitae Variant Classification Sherloc (09022015). Collection method: clinical testing. Allele origin: germline.
Comment: This sequence change replaces methionine, which is neutral and non-polar, with valine, which is neutral and non-polar, at codon 553 of the NBN protein (p.Met553Val). This variant is present in population databases (rs746347634, gnomAD 0.01%). This variant has not been reported in the literature in individuals affected with NBN-related conditions. ClinVar contains an entry for this variant (Variation ID: 485916). Algorithms developed to predict the effect of missense changes on protein structure and function output the following: SIFT: "Not Available"; PolyPhen-2: "Benign"; Align-GVGD: "Not Available". The valine amino acid residue is found in multiple mammalian species, which suggests that this missense change does not adversely affect protein function. In summary, the available evidence is currently insufficient to determine the role of this variant in disease. Therefore, it has been classified as a Variant of Uncertain Significance.

Ambry Genetics
Classification: Likely benign for Hereditary cancer-predisposing syndrome. Last evaluated: 2023-11-22. Review status: criteria provided, single submitter. Criteria: Ambry Variant Classification Scheme 2023. Collection method: clinical testing. Allele origin: germline.

Genome-Nilou Lab
Classification: Uncertain significance for Microcephaly, normal intelligence and immunodeficiency. Last evaluated: 2021-11-07. Review status: criteria provided, single submitter. Criteria: ACMG Guidelines, 2015. Collection method: clinical testing. Allele origin: germline. Affected: no.

GeneDx
Classification: Uncertain significance. Last evaluated: 2020-09-18. Review status: criteria provided, single submitter. Criteria: GeneDx Variant Classification Process June 2021. Collection method: clinical testing. Allele origin: germline. Affected: yes.
Comment: Not observed at a significant frequency in large population cohorts (Lek 2016); In silico analysis supports that this missense variant does not alter protein structure/function; Has not been previously published as pathogenic or benign to our knowledge

Natera, Inc.
Classification: Uncertain significance for Nijmegen breakage syndrome. Last evaluated: 2020-09-16. Review status: no assertion criteria provided. Collection method: clinical testing. Allele origin: germline. Not counted in ClinVar's aggregate classification.

Literature cited by the submitters: PubMed 33471991 (cited by Quest Diagnostics Nichols Institute San Juan Capistrano and Ambry Genetics); PubMed 36072793 (cited by Quest Diagnostics Nichols Institute San Juan Capistrano).

NM_002485.5(NBN):c.1657A>G (p.Met553Val)

Gene: NBN (nibrin; minus strand). Cytogenetic location: 8q21.3.
Variant type: single nucleotide variant.
Coding change: c.1657A>G on transcript NM_002485.5 (MANE Select); coding-DNA position 1657, A replaced by G.
Protein change: p.Met553Val; replaces methionine 553 with valine.
Molecular consequence: missense variant.
Genome position (GRCh38, 1-based): chr8:89,953,432, T>C on the plus strand (A>G on the coding strand, the complement: NBN is on the minus strand). VCF-style: chr8-89953432-T-C. GRCh37 (hg19) VCF-style: chr8-90965660-T-C.
Other names: c.1411A>G, p.Met471Val (NM_001024688.3); short protein forms M553V, M471V.
Identifiers: ClinVar variation 485916 (VCV000485916.23), dbSNP rs746347634, ClinGen allele CA4802693.